The following is an entry in ClinVar:

ClinVar aggregate classification (germline): Uncertain significance (1 of 4 stars; one submission).

Conditions:
Inborn genetic diseases. Identifiers: MedGen C0950123, MeSH D030342.

Submission:

Ambry Genetics
Classification: Uncertain significance for Inborn genetic diseases. Last evaluated: 2025-03-27. Review status: criteria provided, single submitter. Criteria: Ambry Variant Classification Scheme 2023. Collection method: clinical testing. Allele origin: germline.
Comment: The p.S790A variant (also known as c.2368T>G), located in coding exon 21 of the ANKRD26 gene, results from a T to G substitution at nucleotide position 2368. The serine at codon 790 is replaced by alanine, an amino acid with similar properties. This amino acid position is conserved. In addition, this alteration is predicted to be tolerated by in silico analysis. Based on the available evidence, the clinical significance of this variant remains unclear.

NM_014915.3(ANKRD26):c.2368T>G (p.Ser790Ala)

Gene: ANKRD26 (ankyrin repeat domain containing 26; minus strand). Cytogenetic location: 10p12.1.
Variant type: single nucleotide variant.
Coding change: c.2368T>G on transcript NM_014915.3 (MANE Select); coding-DNA position 2368, T replaced by G.
Protein change: p.Ser790Ala; replaces serine 790 with alanine.
Molecular consequence: missense variant.
Genome position (GRCh38, 1-based): chr10:27,039,972, A>C on the plus strand (T>G on the coding strand, the complement: ANKRD26 is on the minus strand). VCF-style: chr10-27039972-A-C. GRCh37 (hg19) VCF-style: chr10-27328901-A-C.
Other names: c.2365T>G, p.Ser789Ala (NM_001256053.2); short protein forms S789A, S790A.
Identifiers: ClinVar variation 3913276 (VCV003913276.1).
Genomic context (GRCh38, chr10:27,039,972, plus strand): 5'-ATATATCTTTAGTACAAATAGTTAAACATTTCTTTAAAACTAGGCTATCATACCTCAAAG[A>C]GCACAGTTCTCGTTCCCATTCAACTTTTTGATGCTCTAACTGTGATTTTATTTCTTTTGT-3'
Protein context (NP_055730.2, residues 780-800): QKVEWERELC[Ser790Ala]LRFSLNQEEE